The following is an entry in ClinVar:

ClinVar aggregate classification (germline): Uncertain significance (1 of 4 stars; one submission).

Conditions:
Dilated cardiomyopathy 1DD (CMD1DD). Identifiers: Orphanet 154, MedGen C2750995, MONDO:0013168, OMIM 613172.

Submission:

Labcorp Genetics (formerly Invitae), Labcorp
Classification: Uncertain significance for Dilated cardiomyopathy 1DD. Last evaluated: 2025-07-02. Review status: criteria provided, single submitter. Criteria: Invitae Variant Classification Sherloc (09022015). Collection method: clinical testing. Allele origin: germline.
Comment: This sequence change replaces lysine, which is basic and polar, with glutamic acid, which is acidic and polar, at codon 585 of the RBM20 protein (p.Lys585Glu). This variant is not present in population databases (gnomAD no frequency). This variant has not been reported in the literature in individuals affected with RBM20-related conditions. Invitae Evidence Modeling of protein sequence and biophysical properties (such as structural, functional, and spatial information, amino acid conservation, physicochemical variation, residue mobility, and thermodynamic stability) indicates that this missense variant is not expected to disrupt RBM20 protein function with a negative predictive value of 95%. In summary, the available evidence is currently insufficient to determine the role of this variant in disease. Therefore, it has been classified as a Variant of Uncertain Significance.

NM_001134363.3(RBM20):c.1753A>G (p.Lys585Glu)

Gene: RBM20 (RNA binding motif protein 20; plus strand). Cytogenetic location: 10q25.2.
Variant type: single nucleotide variant.
Coding change: c.1753A>G on transcript NM_001134363.3 (MANE Select); coding-DNA position 1753, A replaced by G.
Protein change: p.Lys585Glu; replaces lysine 585 with glutamic acid.
Molecular consequence: missense variant.
Genome position (GRCh38, 1-based): chr10:110,799,871, A>G. VCF-style: chr10-110799871-A-G. GRCh37 (hg19) VCF-style: chr10-112559629-A-G.
Other names: short protein forms K585E.
Identifiers: ClinVar variation 4802653 (VCV004802653.1).